The following is an entry in ClinVar:

ClinVar aggregate classification (germline): Uncertain significance (1 of 4 stars; one submission).

Submission:

Ambry Genetics
Classification: Uncertain significance. Last evaluated: 2024-04-15. Review status: criteria provided, single submitter. Criteria: Ambry Variant Classification Scheme 2023. Collection method: clinical testing. Allele origin: germline.
Comment: The p.K782E variant (also known as c.2344A>G), located in coding exon 13 of the NPAT gene, results from an A to G substitution at nucleotide position 2344. The lysine at codon 782 is replaced by glutamic acid, an amino acid with similar properties. This amino acid position is conserved. In addition, this alteration is predicted to be tolerated by in silico analysis. Based on the available evidence, the clinical significance of this variant remains unclear.

NM_002519.3(NPAT):c.2344A>G (p.Lys782Glu)

Gene: NPAT (nuclear protein, coactivator of histone transcription; minus strand). Cytogenetic location: 11q22.3.
Variant type: single nucleotide variant.
Coding change: c.2344A>G on transcript NM_002519.3 (MANE Select); coding-DNA position 2344, A replaced by G.
Protein change: p.Lys782Glu; replaces lysine 782 with glutamic acid.
Molecular consequence: missense variant.
Genome position (GRCh38, 1-based): chr11:108,172,640, T>C on the plus strand (A>G on the coding strand, the complement: NPAT is on the minus strand). VCF-style: chr11-108172640-T-C. GRCh37 (hg19) VCF-style: chr11-108043367-T-C.
Other names: c.2344A>G, p.Lys782Glu (NM_001321307.1); short protein forms K782E.
Identifiers: ClinVar variation 3300664 (VCV003300664.1).